The following is an entry in ClinVar:

NM_004336.5(BUB1):c.1205G>A (p.Ser402Asn)

Gene: BUB1 (BUB1 mitotic checkpoint serine/threonine kinase; minus strand). Cytogenetic location: 2q13.
Variant type: single nucleotide variant.
Coding change: c.1205G>A on transcript NM_004336.5 (MANE Select); coding-DNA position 1205, G replaced by A.
Protein change: p.Ser402Asn; replaces serine 402 with asparagine.
Molecular consequence: missense variant.
Genome position (GRCh38, 1-based): chr2:110,661,594, C>T on the plus strand (G>A on the coding strand, the complement: BUB1 is on the minus strand). VCF-style: chr2-110661594-C-T. GRCh37 (hg19) VCF-style: chr2-111419171-C-T.
Other names: c.1145G>A, p.Ser382Asn (NM_001278616.2); c.1205G>A, p.Ser402Asn (NM_001278617.2); short protein forms S382N, S402N.
Identifiers: ClinVar variation 3482996 (VCV003482996.1).
Genomic context (GRCh38, chr2:110,661,594, plus strand): 5'-CAGGTGCCACTCACATCACTGTGATCTCTAGGACTACCTTCAGCTTACCCAGCATCTTTG[C>T]TGGCCACTGCAAACATGGAGTCTGTTACTGTCTGGGCTTTCAAAGGAACAGGAGGAGCAA-3'
Protein context (NP_004327.1, residues 392-412): TVTDSMFAVA[Ser402Asn]KDAGCVNKST

ClinVar aggregate classification (germline): Uncertain significance (1 of 4 stars; one submission).

Submission:

Ambry Genetics
Classification: Uncertain significance. Last evaluated: 2024-09-30. Review status: criteria provided, single submitter. Criteria: Ambry Variant Classification Scheme 2023. Collection method: clinical testing. Allele origin: germline.
Comment: The p.S402N variant (also known as c.1205G>A), located in coding exon 10 of the BUB1 gene, results from a G to A substitution at nucleotide position 1205. The serine at codon 402 is replaced by asparagine, an amino acid with highly similar properties. This amino acid position is conserved. In addition, this alteration is predicted to be tolerated by in silico analysis. Based on the available evidence, the clinical significance of this variant remains unclear.